The following is an entry in ClinVar:

NM_000516.7(GNAS):c.403_411del (p.Met135_Val137del)

Gene: GNAS (GNAS complex locus; plus strand). Cytogenetic location: 20q13.32.
Variant type: Deletion.
Coding change: c.403_411del on transcript NM_000516.7 (MANE Select); coding-DNA positions 403 to 411, 9 bases deleted (ATGAACGTG; older notation c.403_411delATGAACGTG).
Protein change: p.Met135_Val137del.
Molecular consequence: inframe deletion. On other transcripts: 3 prime UTR variant (2).
Genome position (GRCh38, 1-based): chr20:58,903,762-58,903,770, ATGAACGTG deleted; deleting any 9 consecutive bases within chr20:58,903,759-58,903,770 gives the same sequence; the c. name uses the placement nearest the transcript's 3' end. VCF-style (leftmost placement, unchanged base first): chr20-58903758-TGTGATGAAC-T. GRCh37 (hg19) VCF-style: chr20-57478813-TGTGATGAAC-T.
Other names: c.406_414del, p.Met136_Val138del (NM_001077488.5); c.358_366del, p.Met120_Val122del (NM_001077489.4); c.*264_*272del (NM_001077490.3); c.226_234del, p.Met76_Val78del (NM_001309840.2, NM_001309861.2); c.*309_*317del (NM_016592.5); c.2332_2340del, p.Met778_Val780del (NM_080425.4); c.361_369del, p.Met121_Val123del (NM_080426.4); c.403_411delATGAACGTG (NM_000516.7).
Identifiers: ClinVar variation 1065524 (VCV001065524.3), dbSNP rs2146184726, ClinGen allele CA2499225788.

ClinVar aggregate classification (germline): Likely pathogenic (0 of 4 stars; one submission).

Conditions:
Pseudohypoparathyroidism type 1C (PHP1C). Also called: Pseudohypoparathyroidism Ic (PHP-Ic); PHP IC; PSEUDOHYPOPARATHYROIDISM, TYPE IC. Identifiers: Orphanet 79444, MedGen C2932716, MONDO:0012911, OMIM 612462.
Pseudohypoparathyroidism type I A (PHP1A). Also called: Pseudohypoparathyroidism Type IA; PHP IA; Pseudohypoparathyroidism type 1A; Pseudohypoparathyroidism Ia (PHP-Ia); ALBRIGHT HEREDITARY OSTEODYSTROPHY WITH MULTIPLE HORMONE RESISTANCE. Identifiers: Orphanet 79443, MedGen C3494506, MONDO:0007078, OMIM 103580.

Submission:

HUSP Clinical Genetics Laboratory, Hospital Universitario San Pedro De Logroño (HUSP)
Classification: Likely pathogenic for Pseudohypoparathyroidism type I A; Pseudohypoparathyroidism type 1C. Last evaluated: 2020-11-09. Review status: no assertion criteria provided. Collection method: clinical testing. Allele origin: de novo. Inheritance: Autosomal dominant inheritance with maternal imprinting. Affected: yes. Observed: 1 variant allele, 1 heterozygote.
Comment: The c.403_411delATGAACGTG variant in the GNAS gene (NM_000516.7) is a deletion of nine nucleotides of exon 5. This alteration has not been reported previously in the literature and it is not detected in general population. Pathological variants in the GNAS gene have been associated with the following phenotypes: Pseudopseudohypoparathyroidism (OMIM 612463), Pseudohypoparathyroidism Ia (OMIM 103580), Pseudohypoparathyroidism Ib (OMIM 603233), Pseudohypoparathyroidism Ic (OMIM 612462) and Progesive bone heteroplasia (OMIM 166350), following a mode of inheritance autosomal dominant with imprinting. This fact encourages the reported variant to be considered as pathological. Pathological variants in the GNAS gene of origin maternal (therefore subjected to maternal imprinting) are associated with the phenotypes of Pseudohypoparathyroidism Ia (OMIM 103580) or Pseudohypoparathyroidism Ic (OMIM 612462). Both entities are clinically identical: Albright hereditary osteodystrophy phenotype, hypocalcaemia, hyperphosphataemia, resistance to various hormones (PTH with normal renal function, TSH, GH). They only differ in Pseudohypoparathyroidism Ia shows a decrease in Gs-alpha protein levels in cell membranes.